The following is an entry in ClinVar:

NM_006231.4(POLE):c.6424G>A (p.Ala2142Thr)

Gene: POLE (DNA polymerase epsilon, catalytic subunit; minus strand). Cytogenetic location: 12q24.33.
Variant type: single nucleotide variant.
Coding change: c.6424G>A on transcript NM_006231.4 (MANE Select); coding-DNA position 6424, G replaced by A.
Protein change: p.Ala2142Thr; replaces alanine 2142 with threonine.
Molecular consequence: missense variant.
Genome position (GRCh38, 1-based): chr12:132,626,224, C>T on the plus strand (G>A on the coding strand, the complement: POLE is on the minus strand). VCF-style: chr12-132626224-C-T. GRCh37 (hg19) VCF-style: chr12-133202810-C-T.
Other names: c.6424G>A (NM_006231.2); short protein forms A2142T.
Identifiers: ClinVar variation 648425 (VCV000648425.9), dbSNP rs1593697633, ClinGen allele CA387367606.
Genomic context (GRCh38, chr12:132,626,224, plus strand): 5'-TACAGCTGCGGCAGATGACCTCAGGAAGCACGTAGGAGCGGCAGGGGTCTCGGAACTGGG[C>T]CTCCTCGGAGAACTCGCCGACATCCACCAGGCGAAGCAGGTCTCGGTTCAGCTTATTCAC-3'
Protein context (NP_006222.2, residues 2132-2152): LVDVGEFSEE[Ala2142Thr]QFRDPCRSYV

ClinVar aggregate classification (germline): Uncertain significance. Review status: criteria provided, multiple submitters, no conflicts (2 of 4 stars). 2 submissions from 2 submitters: Uncertain significance (2). Last evaluated 2025-09-30.

Conditions:
Hereditary cancer-predisposing syndrome. Also called: Neoplastic Syndromes, Hereditary; Tumor predisposition; Hereditary Cancer Syndrome; Hereditary neoplastic syndrome. Identifiers: Orphanet 140162, MedGen C0027672, MeSH D009386, MONDO:0015356.

gnomAD v4.1: 1 of 1,613,860 alleles (0.000062%); no homozygotes.

Submissions (2):

Labcorp Genetics (formerly Invitae), Labcorp
Classification: Uncertain significance. Last evaluated: 2025-09-30. Review status: criteria provided, single submitter. Criteria: Invitae Variant Classification Sherloc (09022015). Collection method: clinical testing. Allele origin: germline.
Comment: This sequence change replaces alanine, which is neutral and non-polar, with threonine, which is neutral and polar, at codon 2142 of the POLE protein (p.Ala2142Thr). This variant is not present in population databases (gnomAD no frequency). This variant has not been reported in the literature in individuals affected with POLE-related conditions. ClinVar contains an entry for this variant (Variation ID: 648425). Invitae Evidence Modeling of protein sequence and biophysical properties (such as structural, functional, and spatial information, amino acid conservation, physicochemical variation, residue mobility, and thermodynamic stability) indicates that this missense variant is not expected to disrupt POLE protein function with a negative predictive value of 80%. In summary, the available evidence is currently insufficient to determine the role of this variant in disease. Therefore, it has been classified as a Variant of Uncertain Significance.

Ambry Genetics
Classification: Uncertain significance for Hereditary cancer-predisposing syndrome. Last evaluated: 2023-12-01. Review status: criteria provided, single submitter. Criteria: Ambry Variant Classification Scheme 2023. Collection method: clinical testing. Allele origin: germline.
Comment: The p.A2142T variant (also known as c.6424G>A), located in coding exon 46 of the POLE gene, results from a G to A substitution at nucleotide position 6424. The alanine at codon 2142 is replaced by threonine, an amino acid with similar properties. This amino acid position is conserved. In addition, the in silico prediction for this alteration is inconclusive. Since supporting evidence is limited at this time, the clinical significance of this alteration remains unclear.